The following is an entry in ClinVar:

ClinVar aggregate classification (germline): Benign/Likely benign. Review status: criteria provided, multiple submitters, no conflicts (2 of 4 stars). 7 submissions from 7 submitters: Benign (2); Likely benign (5). Last evaluated 2026-01-24.

Conditions:
Congenital Muscular Dystrophy, alpha-dystroglycan related.
Muscular dystrophy-dystroglycanopathy (congenital with brain and eye anomalies), type A, 7. Also called: WALKER-WARBURG SYNDROME OR MUSCLE-EYE-BRAIN DISEASE, ISPD-RELATED; Congenital muscular dystrophy-dystroglycanopathy with brain and eye anomalies, type A7. Identifiers: Orphanet 899, MedGen C3553330, MONDO:0013835, OMIM 614643.
Autosomal recessive limb-girdle muscular dystrophy type 2U. Also called: Muscular dystrophy-dystroglycanopathy (limb-girdle), type c, 7; MUSCULAR DYSTROPHY, LIMB-GIRDLE, TYPE 2U. Identifiers: Orphanet 352479, MedGen C5190987, MONDO:0014474, OMIM 616052.

Allele frequency attached by ClinVar (database versions not stated): gnomAD 0.00525 and 0.00561; TOPMed 0.00602; ESP Exome Variant Server 0.00603; 1000 Genomes Project 0.00659; 1000 Genomes Project 30x 0.00687.
gnomAD v4.1: 1,597 of 1,613,878 alleles (0.099%); highest among the groups gnomAD compares: African/African-American, 1.8%; 16 homozygotes.

Submissions (7):

Labcorp Genetics (formerly Invitae), Labcorp
Classification: Benign for Muscular dystrophy-dystroglycanopathy (congenital with brain and eye anomalies), type A, 7; Autosomal recessive limb-girdle muscular dystrophy type 2U. Last evaluated: 2026-01-24. Review status: criteria provided, single submitter. Criteria: Invitae Variant Classification Sherloc (09022015). Collection method: clinical testing. Allele origin: germline.

Blueprint Genetics
Classification: Likely benign. Last evaluated: 2024-11-13. Review status: criteria provided, single submitter. Criteria: ACMG Guidelines, 2015. Collection method: clinical testing. Allele origin: germline.

CeGaT Center for Human Genetics Tuebingen
Classification: Likely benign. Last evaluated: 2023-12-01. Review status: criteria provided, single submitter. Criteria: CeGaT Center For Human Genetics Tuebingen Variant Classification Criteria Version 2. Collection method: clinical testing. Allele origin: germline. Affected: yes. Observed: 1 variant allele.
Comment: CRPPA: BP4, BS2

GeneDx
Classification: Benign. Last evaluated: 2018-05-11. Review status: criteria provided, single submitter. Criteria: GeneDx Variant Classification Process June 2021. Collection method: clinical testing. Allele origin: germline. Affected: yes.
Comment: This variant is associated with the following publications: (PMID: 28688748)

Eurofins Ntd Llc (ga)
Classification: Likely benign. Last evaluated: 2018-02-09. Review status: criteria provided, single submitter. Criteria: EGL ClinVar v180209 classification definitions. Collection method: clinical testing. Allele origin: germline. Observed: 1 variant allele, 1 heterozygote.

Illumina Laboratory Services, Illumina
Classification: Likely benign for Congenital Muscular Dystrophy, alpha-dystroglycan related. Last evaluated: 2018-01-13. Review status: criteria provided, single submitter. Criteria: ICSL Variant Classification Criteria 13 December 2019. Collection method: clinical testing. Allele origin: germline.
Comment: This variant was observed in the ICSL laboratory as part of a predisposition screen in an ostensibly healthy population. It had not been previously curated by ICSL or reported in the Human Gene Mutation Database (HGMD: prior to June 1st, 2018), and was therefore a candidate for classification through an automated scoring system. Utilizing variant allele frequency, disease prevalence and penetrance estimates, and inheritance mode, an automated score was calculated to assess if this variant is too frequent to cause the disease. Based on the score and internal cut-off values, a variant classified as likely benign is not then subjected to further curation. The score for this variant resulted in a classification of likely benign for this disease.

Breakthrough Genomics
Classification: Likely benign. Review status: criteria provided, single submitter. Criteria: ACMG Guidelines, 2015. Collection method: not provided. Allele origin: germline. Inheritance: Autosomal recessive inheritance. Affected: yes.

NM_001101426.4(CRPPA):c.346C>T (p.Arg116Cys)

Gene: CRPPA (CDP-L-ribitol pyrophosphorylase A; minus strand). Cytogenetic location: 7p21.2.
Variant type: single nucleotide variant.
Coding change: c.346C>T on transcript NM_001101426.4 (MANE Select); coding-DNA position 346, C replaced by T.
Protein change: p.Arg116Cys; replaces arginine 116 with cysteine.
Molecular consequence: missense variant. On other transcripts: non-coding transcript variant (1).
Genome position (GRCh38, 1-based): chr7:16,406,249, G>A on the plus strand (C>T on the coding strand, the complement: CRPPA is on the minus strand). VCF-style: chr7-16406249-G-A. GRCh37 (hg19) VCF-style: chr7-16445874-G-A.
Other names: c.346C>T, p.Arg116Cys (NM_001101417.4, NM_001368197.1); short protein forms R116C.
Identifiers: ClinVar variation 359592 (VCV000359592.44), dbSNP rs61744487, ClinGen allele CA4169629.
Genomic context (GRCh38, chr7:16,406,249, plus strand): 5'-CTTTTAGTCCATTGAAAATTGACCTGTGGCGGGTCACTCCAGCTTCGACCAGTGAGATGC[G>A]TTTATGCTGATACTTCTGAATAATACTTTTCATTACTTCCATGTTCTCTCCAGTTACTGC-3'
Protein context (NP_001094896.1, residues 106-126): KSIIQKYQHK[Arg116Cys]ISLVEAGVTR